The following is an entry in ClinVar:

NM_001317778.2(SFTPC):c.*12T>A

Gene: SFTPC (surfactant protein C; plus strand). Cytogenetic location: 8p21.3.
Variant type: single nucleotide variant.
Coding change: c.*12T>A on transcript NM_001317778.2 (MANE Select); 12 bases downstream of the stop codon, T replaced by A.
Molecular consequence: 3 prime UTR variant. On other transcripts: splice donor variant (4).
Genome position (GRCh38, 1-based): chr8:22,164,053, T>A. VCF-style: chr8-22164053-T-A. GRCh37 (hg19) VCF-style: chr8-22021566-T-A.
Other names: c.*12T>A (NM_001172357.2, NM_001317779.2, NM_001385653.1 and 6 more transcripts); c.*10+2T>A (NM_001385654.1, NM_001385657.1, NM_001172410.2 and 1 more transcripts).
Identifiers: ClinVar variation 362564 (VCV000362564.8), dbSNP rs200469074, ClinGen allele CA4664088.

ClinVar aggregate classification (germline): Benign/Likely benign. Review status: criteria provided, multiple submitters, no conflicts (2 of 4 stars). 4 submissions from 3 submitters: Benign (3); Likely benign (1). Last evaluated 2026-02-05.

Conditions:
Hereditary pulmonary alveolar proteinosis. Also called: Pulmonary surfactant metabolism dysfunction. Identifiers: Orphanet 264675, MedGen C3711368, MONDO:0012580.
Surfactant metabolism dysfunction, pulmonary, 2 (SMDP2). Also called: DESQUAMATIVE INTERSTITIAL PNEUMONITIS DUE TO SURFACTANT PROTEIN C DEFICIENCY; INTERSTITIAL LUNG DISEASE DUE TO SURFACTANT PROTEIN C DEFICIENCY; PULMONARY ALVEOLAR PROTEINOSIS, CONGENITAL, 2. Identifiers: Orphanet 440392, MedGen C1970470, MONDO:0024465, OMIM 610913.
Interstitial lung disease 2 (ILD2). Also called: FIBROCYSTIC PULMONARY DYSPLASIA; FIBROSING ALVEOLITIS, CRYPTOGENIC; Familial idiopathic pulmonary fibrosis. Identifiers: Orphanet 2032, Orphanet 79126, MedGen C5561926, MONDO:0800497, OMIM 178500, MONDO:0800029.

Allele frequency attached by ClinVar (database versions not stated): gnomAD 0.00025 and 0.00027; TOPMed 0.00029; 1000 Genomes Project 0.00040; ESP Exome Variant Server 0.00016; 1000 Genomes Project 30x 0.00047.

Submissions (4):

Ambry Genetics
Classification: Benign for Hereditary pulmonary alveolar proteinosis. Last evaluated: 2026-02-05. Review status: criteria provided, single submitter. Criteria: Ambry Variant Classification Scheme 2023. Collection method: clinical testing. Allele origin: germline.

Illumina Laboratory Services, Illumina
Classification: Benign for Surfactant metabolism dysfunction, pulmonary, 2. Last evaluated: 2018-01-13. Review status: criteria provided, single submitter. Criteria: ICSL Variant Classification Criteria 13 December 2019. Collection method: clinical testing. Allele origin: germline.
Comment: This variant was observed in the ICSL laboratory as part of a predisposition screen in an ostensibly healthy population. It had not been previously curated by ICSL or reported in the Human Gene Mutation Database (HGMD: prior to June 1st, 2018), and was therefore a candidate for classification through an automated scoring system. Utilizing variant allele frequency, disease prevalence and penetrance estimates, and inheritance mode, an automated score was calculated to assess if this variant is too frequent to cause the disease. Based on the score and internal cut-off values, a variant classified as benign is not then subjected to further curation. The score for this variant resulted in a classification of benign for this disease.

Illumina Laboratory Services, Illumina
Classification: Benign for Idiopathic fibrosing alveolitis, chronic form. Last evaluated: 2018-01-13. Review status: criteria provided, single submitter. Criteria: ICSL Variant Classification Criteria 13 December 2019. Collection method: clinical testing. Allele origin: germline.
Comment: the same text as in the submission from Illumina Laboratory Services, Illumina above.

GeneDx
Classification: Likely benign. Last evaluated: 2015-05-21. Review status: criteria provided, single submitter. Criteria: GeneDx Variant Classification (06012015). Collection method: clinical testing. Allele origin: germline. Affected: yes.
Comment: This variant is considered likely benign or benign based on one or more of the following criteria: it is a conservative change, it occurs at a poorly conserved position in the protein, it is predicted to be benign by multiple in silico algorithms, and/or has population frequency not consistent with disease.